The following is an entry in ClinVar:

ClinVar aggregate classification (germline): Uncertain significance (1 of 4 stars; one submission).

Conditions:
Ataxia-telangiectasia syndrome (AT). Also called: ATAXIA-TELANGIECTASIA, COMPLEMENTATION GROUP A; ATAXIA-TELANGIECTASIA, FRESNO VARIANT; Ataxia-telangiectasia; Ataxia-telangiectasia, complementation group D; AT, COMPLEMENTATION GROUP C; Ataxia-telangiectasia, complementation group E. Identifiers: Orphanet 100, MedGen C0004135, MONDO:0008840, OMIM 208900.

Submission:

Labcorp Genetics (formerly Invitae), Labcorp
Classification: Uncertain significance for Ataxia-telangiectasia syndrome. Last evaluated: 2022-06-26. Review status: criteria provided, single submitter. Criteria: Invitae Variant Classification Sherloc (09022015). Collection method: clinical testing. Allele origin: germline.
Comment: In summary, the available evidence is currently insufficient to determine the role of this variant in disease. Therefore, it has been classified as a Variant of Uncertain Significance. Algorithms developed to predict the effect of missense changes on protein structure and function are either unavailable or do not agree on the potential impact of this missense change (SIFT: "Deleterious"; PolyPhen-2: "Possibly Damaging"; Align-GVGD: "Class C0"). ClinVar contains an entry for this variant (Variation ID: 835694). This variant has not been reported in the literature in individuals affected with ATM-related conditions. This variant is not present in population databases (gnomAD no frequency). This sequence change replaces lysine, which is basic and polar, with glutamine, which is neutral and polar, at codon 2838 of the ATM protein (p.Lys2838Gln).

NM_000051.4(ATM):c.8512A>C (p.Lys2838Gln)

Genes: ATM (ATM serine/threonine kinase; plus strand), C11orf65 (chromosome 11 open reading frame 65; minus strand). Cytogenetic location: 11q22.3.
Variant type: single nucleotide variant.
Coding change: c.8512A>C on transcript NM_000051.4 (MANE Select); coding-DNA position 8512, A replaced by C.
Protein change: p.Lys2838Gln; replaces lysine 2838 with glutamine.
Molecular consequence: missense variant. On other transcripts: intron variant (2).
Genome position (GRCh38, 1-based): chr11:108,345,836, A>C. VCF-style: chr11-108345836-A-C. GRCh37 (hg19) VCF-style: chr11-108216563-A-C.
Other names: c.8512A>C, p.Lys2838Gln (NM_001351834.2); c.641-36765T>G (NM_001330368.2); c.695-10544T>G (NM_001351110.2); short protein forms K2838Q.
Identifiers: ClinVar variation 835694 (VCV000835694.10), dbSNP rs2088287574, ClinGen allele CA382518254.